The following is an entry in ClinVar:

NM_182931.3(KMT2E):c.5462C>G (p.Pro1821Arg)

Gene: KMT2E (lysine methyltransferase 2E (inactive); plus strand). Cytogenetic location: 7q22.3.
Variant type: single nucleotide variant.
Coding change: c.5462C>G on transcript NM_182931.3 (MANE Select); coding-DNA position 5462, C replaced by G.
Protein change: p.Pro1821Arg; replaces proline 1821 with arginine.
Molecular consequence: missense variant.
Genome position (GRCh38, 1-based): chr7:105,113,218, C>G. VCF-style: chr7-105113218-C-G. GRCh37 (hg19) VCF-style: chr7-104753665-C-G.
Other names: c.5336C>G, p.Pro1779Arg (NM_001410908.1); c.5462C>G, p.Pro1821Arg (NM_018682.4); short protein forms P1779R, P1821R.
Identifiers: ClinVar variation 2574450 (VCV002574450.1), dbSNP rs1799408425, ClinGen allele CA368795237.

ClinVar aggregate classification (germline): Uncertain significance (1 of 4 stars; one submission).

Allele frequency attached by ClinVar (database versions not stated): TOPMed below 0.00001; gnomAD 0.00001.
gnomAD v4.1: 1 of 1,614,112 alleles (0.000062%); highest among the groups gnomAD compares: Non-Finnish European, 0.000085%; no homozygotes.

Submission:

GeneDx
Classification: Uncertain significance. Last evaluated: 2023-01-26. Review status: criteria provided, single submitter. Criteria: GeneDx Variant Classification Process June 2021. Collection method: clinical testing. Allele origin: germline. Affected: yes.
Comment: Not observed at significant frequency in large population cohorts (gnomAD); In silico analysis supports that this missense variant does not alter protein structure/function; Has not been previously published as pathogenic or benign to our knowledge